The following is an entry in ClinVar:

NM_002775.5(HTRA1):c.990C>A (p.Gly330=)

Gene: HTRA1 (HtrA serine peptidase 1; plus strand). Cytogenetic location: 10q26.13.
Variant type: single nucleotide variant.
Coding change: c.990C>A on transcript NM_002775.5 (MANE Select); coding-DNA position 990, C replaced by A.
Protein change: p.Gly330=; no amino-acid change (glycine 330 retained).
Molecular consequence: synonymous variant.
Genome position (GRCh38, 1-based): chr10:122,507,387, C>A. VCF-style: chr10-122507387-C-A. GRCh37 (hg19) VCF-style: chr10-124266903-C-A.
Identifiers: ClinVar variation 3388661 (VCV003388661.15).
Genomic context (GRCh38, chr10:122,507,387, plus strand): 5'-TTATGACACGATTTGTAACCTTTTCATTTCTGTTTAATTGCAGTATGGAAACTCGGGAGG[C>A]CCGTTAGTAAACCTGGTAAGGTCTTTTAAACCTATGTTAGGTCATTTGTTTTTATCTATG-3'
Protein context (NP_002766.1, residues 320-340): DAIINYGNSG[Gly330=]PLVNLDGEVI

ClinVar aggregate classification (germline): Likely benign. Review status: criteria provided, multiple submitters, no conflicts (2 of 4 stars). 2 submissions from 2 submitters: Likely benign (2). Last evaluated 2024-09-01.

gnomAD v4.1: 7 of 1,610,952 alleles (0.00043%); highest among the groups gnomAD compares: Non-Finnish European, 0.00059%; no homozygotes.

Submissions (2):

CeGaT Center for Human Genetics Tuebingen
Classification: Likely benign. Last evaluated: 2024-09-01. Review status: criteria provided, single submitter. Criteria: CeGaT Center For Human Genetics Tuebingen Variant Classification Criteria Version 2. Collection method: clinical testing. Allele origin: germline. Affected: yes. Observed: 1 variant allele.
Comment: HTRA1: BP4, BP7

Blueprint Genetics
Classification: Likely benign. Last evaluated: 2024-04-15. Review status: criteria provided, single submitter. Criteria: ACMG Guidelines, 2015. Collection method: clinical testing. Allele origin: germline.